The following is an entry in ClinVar:

ClinVar aggregate classification (germline): Likely benign. Review status: criteria provided, single submitter (1 of 4 stars). 2 submissions from 2 submitters: Likely benign (1). 1 of the submissions does not count toward it. Last evaluated 2025-11-23.

Conditions:
FRAS1-related disorder. Also called: FRAS1-related condition.

Allele frequency attached by ClinVar (database versions not stated): gnomAD exomes 0.00002; ExAC 0.00003; gnomAD 0.00005; ESP Exome Variant Server 0.00008; TOPMed 0.00010.
gnomAD v4.1: 40 of 1,613,800 alleles (0.0025%); highest among the groups gnomAD compares: African/African-American, 0.028%; no homozygotes.

Submissions (2):

Labcorp Genetics (formerly Invitae), Labcorp
Classification: Likely benign. Last evaluated: 2025-11-23. Review status: criteria provided, single submitter. Criteria: Invitae Variant Classification Sherloc (09022015). Collection method: clinical testing. Allele origin: germline.

PreventionGenetics, part of Exact Sciences
Classification: Likely benign for FRAS1-related condition. Last evaluated: 2024-02-16. Review status: no assertion criteria provided. Collection method: clinical testing. Allele origin: germline. Not counted in ClinVar's aggregate classification.
Comment: This variant is classified as likely benign based on ACMG/AMP sequence variant interpretation guidelines (Richards et al. 2015 PMID: 25741868, with internal and published modifications).

NM_025074.7(FRAS1):c.1608C>T (p.His536=)

Gene: FRAS1 (Fraser extracellular matrix complex subunit 1; plus strand). Cytogenetic location: 4q21.21.
Variant type: single nucleotide variant.
Coding change: c.1608C>T on transcript NM_025074.7 (MANE Select); coding-DNA position 1608, C replaced by T.
Protein change: p.His536=; no amino-acid change (histidine 536 retained).
Molecular consequence: synonymous variant.
Genome position (GRCh38, 1-based): chr4:78,308,139, C>T. VCF-style: chr4-78308139-C-T. GRCh37 (hg19) VCF-style: chr4-79229293-C-T.
Other names: c.1608C>T (NM_025074.6); c.1608C>T, p.His536= (NM_001166133.2).
Identifiers: ClinVar variation 2171404 (VCV002171404.6), dbSNP rs371970075, ClinGen allele CA2976361.